The following is an entry in ClinVar:

ClinVar aggregate classification (germline): Uncertain significance (1 of 4 stars; one submission).

Submission:

Ambry Genetics
Classification: Uncertain significance. Last evaluated: 2024-11-06. Review status: criteria provided, single submitter. Criteria: Ambry Variant Classification Scheme 2023. Collection method: clinical testing. Allele origin: germline.
Comment: The p.P33L variant (also known as c.98C>T), located in coding exon 1 of the IDH1 gene, results from a C to T substitution at nucleotide position 98. The proline at codon 33 is replaced by leucine, an amino acid with similar properties. This amino acid position is conserved. In addition, the in silico prediction for this alteration is inconclusive. Based on the available evidence, the clinical significance of this variant remains unclear.

NM_005896.4(IDH1):c.98C>T (p.Pro33Leu)

Gene: IDH1 (isocitrate dehydrogenase (NADP(+)) 1; minus strand). Cytogenetic location: 2q34.
Variant type: single nucleotide variant.
Coding change: c.98C>T on transcript NM_005896.4 (MANE Select); coding-DNA position 98, C replaced by T.
Protein change: p.Pro33Leu; replaces proline 33 with leucine.
Molecular consequence: missense variant.
Genome position (GRCh38, 1-based): chr2:208,251,454, G>A on the plus strand (C>T on the coding strand, the complement: IDH1 is on the minus strand). VCF-style: chr2-208251454-G-A. GRCh37 (hg19) VCF-style: chr2-209116178-G-A.
Other names: c.98C>T, p.Pro33Leu (NM_001282386.1, NM_001282387.1); short protein forms P33L.
Identifiers: ClinVar variation 3527520 (VCV003527520.1).
Genomic context (GRCh38, chr2:208,251,454, plus strand): 5'-TTCTGAGTTTGCTACACGGAGGGGTAACTCATTTACCTATGTAGATCCAATTCCACGTAG[G>A]GAAAAATGAGTTTCTCTTTAATCAATTCCCAAATGATTCGTGTCATTTCATCTCCTTGCA-3'
Protein context (NP_005887.2, residues 23-43): WELIKEKLIF[Pro33Leu]YVELDLHSYD